The following is an entry in ClinVar:

ClinVar aggregate classification (germline): Uncertain significance (1 of 4 stars; one submission).

Conditions:
Cardiovascular phenotype. Identifiers: MedGen CN230736.

Submission:

Ambry Genetics
Classification: Uncertain significance for Cardiovascular phenotype. Last evaluated: 2022-10-17. Review status: criteria provided, single submitter. Criteria: Ambry Variant Classification Scheme 2023. Collection method: clinical testing. Allele origin: germline.
Comment: The p.P455T variant (also known as c.1363C>A), located in coding exon 13 of the CACNB2 gene, results from a C to A substitution at nucleotide position 1363. The proline at codon 455 is replaced by threonine, an amino acid with highly similar properties. This amino acid position is conserved. In addition, this alteration is predicted to be tolerated by in silico analysis. Since supporting evidence is limited at this time, the clinical significance of this alteration remains unclear.

NM_201596.3(CACNB2):c.1525C>A (p.Pro509Thr)

Gene: CACNB2 (calcium voltage-gated channel auxiliary subunit beta 2; plus strand). Cytogenetic location: 10p12.31.
Variant type: single nucleotide variant.
Coding change: c.1525C>A on transcript NM_201596.3 (MANE Select); coding-DNA position 1525, C replaced by A.
Protein change: p.Pro509Thr; replaces proline 509 with threonine.
Molecular consequence: missense variant.
Genome position (GRCh38, 1-based): chr10:18,539,266, C>A. VCF-style: chr10-18539266-C-A. GRCh37 (hg19) VCF-style: chr10-18828195-C-A.
Other names: c.1360C>A, p.Pro454Thr (NM_000724.4); c.1327C>A, p.Pro443Thr (NM_001167945.2); c.1246C>A, p.Pro416Thr (NM_001330060.2); c.1267C>A, p.Pro423Thr (NM_001410882.1); c.1381C>A, p.Pro461Thr (NM_201570.3); c.1441C>A, p.Pro481Thr (NM_201571.4); c.1369C>A, p.Pro457Thr (NM_201572.4); c.1363C>A, p.Pro455Thr (NM_201590.3); and 2 more; short protein forms P454T, P485T, P443T, P455T, P461T, P416T, P423T, P457T.
Identifiers: ClinVar variation 1770883 (VCV001770883.2), dbSNP rs1165674804, ClinGen allele CA376071187.
Genomic context (GRCh38, chr10:18,539,266, plus strand): 5'-CTGGTGTGCTCCTTTCGCTGCCAGGGTTCTCAAGGTGATCAGAGGACTGATCGCTCCGCT[C>A]CTATCCGTTCTGCTTCCCAAGCTGAAGAAGAACCTAGTGTGGAACCAGTCAAGAAATCCC-3'
Protein context (NP_963890.2, residues 499-519): QGDQRTDRSA[Pro509Thr]IRSASQAEEE